The following is an entry in ClinVar:

ClinVar aggregate classification (germline): Uncertain significance (1 of 4 stars; one submission).

Conditions:
Malignant hyperthermia, susceptibility to, 1 (MHS1). Also called: RYR1-Related Malignant Hyperthermia Susceptibility; Malignant hyperthermia suceptibility 1; Anesthesia related hyperthermia; Malignant hyperpyrexia; Fulminating hyperpyrexia; Pharmacogenic myopathy. Identifiers: Orphanet 423, MedGen C2930980, MONDO:0007783, OMIM 145600.

gnomAD v4.1: 3 of 1,614,138 alleles (0.00019%); highest among the groups gnomAD compares: South Asian, 0.0022%; no homozygotes.

Submission:

Color Diagnostics, LLC DBA Color Health
Classification: Uncertain significance for Malignant hyperthermia, susceptibility to, 1. Last evaluated: 2023-11-07. Review status: criteria provided, single submitter. Criteria: ACMG Guidelines, 2015. Collection method: clinical testing. Allele origin: germline.
Comment: This missense variant replaces proline with leucine at codon 1248 of the RYR1 protein. Computational prediction suggests that this variant may have deleterious impact on protein structure and function. To our knowledge, functional studies have not been reported for this variant. This variant has not been reported in individuals affected with RYR1-related disorders in the literature. This variant has been identified in 1/250278 chromosomes in the general population by the Genome Aggregation Database (gnomAD). The available evidence is insufficient to determine the role of this variant in disease conclusively. Therefore, this variant is classified as a Variant of Uncertain Significance.

NM_000540.3(RYR1):c.3743C>T (p.Pro1248Leu)

Gene: RYR1 (ryanodine receptor 1; plus strand). Cytogenetic location: 19q13.2.
Variant type: single nucleotide variant.
Coding change: c.3743C>T on transcript NM_000540.3 (MANE Select); coding-DNA position 3743, C replaced by T.
Protein change: p.Pro1248Leu; replaces proline 1248 with leucine.
Molecular consequence: missense variant.
Genome position (GRCh38, 1-based): chr19:38,469,491, C>T. VCF-style: chr19-38469491-C-T. GRCh37 (hg19) VCF-style: chr19-38960131-C-T.
Other names: c.3743C>T, p.Pro1248Leu (NM_001042723.2); short protein forms P1248L.
Identifiers: ClinVar variation 4758472 (VCV004758472.1).